The following is an entry in ClinVar:

ClinVar aggregate classification (germline): Uncertain significance. Review status: criteria provided, multiple submitters, no conflicts (2 of 4 stars). 4 submissions from 4 submitters: Uncertain significance (4). Last evaluated 2025-09-22.

Conditions:
Hereditary cancer-predisposing syndrome. Also called: Tumor predisposition; Neoplastic Syndromes, Hereditary; Hereditary Cancer Syndrome; Hereditary neoplastic syndrome. Identifiers: Orphanet 140162, MedGen C0027672, MeSH D009386, MONDO:0015356.
Multiple endocrine neoplasia type 4. Also called: MULTIPLE ENDOCRINE NEOPLASIA, TYPE IV. Identifiers: Orphanet 276152, MedGen C1970712, MONDO:0012552, OMIM 610755.

Allele frequency attached by ClinVar (database versions not stated): gnomAD exomes below 0.00001; TOPMed below 0.00001; ExAC 0.00001.
gnomAD v4.1: 2 of 1,614,138 alleles (0.00012%); highest among the groups gnomAD compares: Non-Finnish European, 0.000085%; no homozygotes.

Submissions (4):

Ambry Genetics
Classification: Uncertain significance for Hereditary cancer-predisposing syndrome. Last evaluated: 2025-09-22. Review status: criteria provided, single submitter. Criteria: Ambry Variant Classification Scheme 2023. Collection method: clinical testing. Allele origin: germline.

Labcorp Genetics (formerly Invitae), Labcorp
Classification: Uncertain significance for Multiple endocrine neoplasia type 4. Last evaluated: 2025-06-25. Review status: criteria provided, single submitter. Criteria: Invitae Variant Classification Sherloc (09022015). Collection method: clinical testing. Allele origin: germline.
Comment: This sequence change replaces proline, which is neutral and non-polar, with leucine, which is neutral and non-polar, at codon 179 of the CDKN1B protein (p.Pro179Leu). This variant is present in population databases (rs745415005, gnomAD 0.0009%). This variant has not been reported in the literature in individuals affected with CDKN1B-related conditions. ClinVar contains an entry for this variant (Variation ID: 404281). An algorithm developed to predict the effect of missense changes on protein structure and function outputs the following: PolyPhen-2: "Benign". The leucine amino acid residue is found in multiple mammalian species, which suggests that this missense change does not adversely affect protein function. In summary, the available evidence is currently insufficient to determine the role of this variant in disease. Therefore, it has been classified as a Variant of Uncertain Significance.

Baylor Genetics
Classification: Uncertain significance for Multiple endocrine neoplasia type 4. Last evaluated: 2024-03-01. Review status: criteria provided, single submitter. Criteria: ACMG Guidelines, 2015. Collection method: clinical testing. Allele origin: unknown.

Fulgent Genetics
Classification: Uncertain significance for Multiple endocrine neoplasia type 4. Last evaluated: 2018-10-31. Review status: criteria provided, single submitter. Criteria: ACMG Guidelines, 2015. Collection method: clinical testing. Allele origin: unknown.

NM_004064.5(CDKN1B):c.536C>T (p.Pro179Leu)

Gene: CDKN1B (cyclin dependent kinase inhibitor 1B; plus strand). Cytogenetic location: 12p13.1.
Variant type: single nucleotide variant.
Coding change: c.536C>T on transcript NM_004064.5 (MANE Select); coding-DNA position 536, C replaced by T.
Protein change: p.Pro179Leu; replaces proline 179 with leucine.
Molecular consequence: missense variant.
Genome position (GRCh38, 1-based): chr12:12,718,885, C>T. VCF-style: chr12-12718885-C-T. GRCh37 (hg19) VCF-style: chr12-12871819-C-T.
Other names: short protein forms P179L.
Identifiers: ClinVar variation 404281 (VCV000404281.20), dbSNP rs745415005, ClinGen allele CA6457565.